The following is an entry in ClinVar:

NM_144997.7(FLCN):c.1385A>G (p.Lys462Arg)

Gene: FLCN (folliculin; minus strand). Cytogenetic location: 17p11.2.
Variant type: single nucleotide variant.
Coding change: c.1385A>G on transcript NM_144997.7 (MANE Select); coding-DNA position 1385, A replaced by G.
Protein change: p.Lys462Arg; replaces lysine 462 with arginine.
Molecular consequence: missense variant.
Genome position (GRCh38, 1-based): chr17:17,215,232, T>C on the plus strand (A>G on the coding strand, the complement: FLCN is on the minus strand). VCF-style: chr17-17215232-T-C. GRCh37 (hg19) VCF-style: chr17-17118546-T-C.
Other names: c.1439A>G, p.Lys480Arg (NM_001353229.2); c.1385A>G, p.Lys462Arg (NM_001353230.2, NM_001353231.2); short protein forms K480R, K462R.
Identifiers: ClinVar variation 2124889 (VCV002124889.4), dbSNP rs1567807684, ClinGen allele CA398531253.

ClinVar aggregate classification (germline): Pathogenic (1 of 4 stars; one submission).

Conditions:
Birt-Hogg-Dube syndrome. Also called: Birt Hogg Dubé syndrome. Identifiers: Orphanet 122, MedGen C0346010, MONDO:0800444.

Submission:

Labcorp Genetics (formerly Invitae), Labcorp
Classification: Pathogenic for Birt-Hogg-Dube syndrome. Last evaluated: 2025-11-05. Review status: criteria provided, single submitter. Criteria: Invitae Variant Classification Sherloc (09022015). Collection method: clinical testing. Allele origin: germline.
Comment: This sequence change replaces lysine, which is basic and polar, with arginine, which is basic and polar, at codon 462 of the FLCN protein (p.Lys462Arg). RNA analysis indicates that this missense change induces altered splicing and may result in an absent or altered protein product. This variant is not present in population databases (gnomAD no frequency). This variant has not been reported in the literature in individuals affected with FLCN-related conditions. ClinVar contains an entry for this variant (Variation ID: 2124889). Invitae Evidence Modeling of protein sequence and biophysical properties (such as structural, functional, and spatial information, amino acid conservation, physicochemical variation, residue mobility, and thermodynamic stability) indicates that this missense variant is not expected to disrupt FLCN protein function with a negative predictive value of 80%. Studies have shown that this missense change results in activation of a cryptic splice site, and produces a non-functional protein and/or introduces a premature termination codon (internal data). For these reasons, this variant has been classified as Pathogenic.